The following is an entry in ClinVar:

ClinVar aggregate classification (germline): Likely pathogenic. Review status: criteria provided, multiple submitters, no conflicts (2 of 4 stars). 3 submissions from 3 submitters: Likely pathogenic (3). Last evaluated 2023-08-30.

Conditions:
Developmental and epileptic encephalopathy, 18 (DEE18). Also called: Early infantile epileptic encephalopathy 18. Identifiers: Orphanet 369894, MedGen C3809624, MONDO:0014201, OMIM 615476.

gnomAD v4.1: 2 of 1,598,276 alleles (0.00013%); no homozygotes.

Submissions (3):

Labcorp Genetics (formerly Invitae), Labcorp
Classification: Likely pathogenic. Last evaluated: 2023-08-30. Review status: criteria provided, single submitter. Criteria: Invitae Variant Classification Sherloc (09022015). Collection method: clinical testing. Allele origin: germline.
Comment: Algorithms developed to predict the effect of sequence changes on RNA splicing suggest that this variant may disrupt the consensus splice site. In summary, the currently available evidence indicates that the variant is pathogenic, but additional data are needed to prove that conclusively. Therefore, this variant has been classified as Likely Pathogenic. ClinVar contains an entry for this variant (Variation ID: 944833). This variant has not been reported in the literature in individuals affected with SZT2-related conditions. This variant is not present in population databases (gnomAD no frequency). This sequence change affects an acceptor splice site in intron 8 of the SZT2 gene. It is expected to disrupt RNA splicing. Variants that disrupt the donor or acceptor splice site typically lead to a loss of protein function (PMID: 16199547), and loss-of-function variants in SZT2 are known to be pathogenic (PMID: 23932106, 27248490, 28556953).

Genome-Nilou Lab
Classification: Likely pathogenic for Developmental and epileptic encephalopathy, 18. Last evaluated: 2023-04-11. Review status: criteria provided, single submitter. Criteria: ACMG Guidelines, 2015. Collection method: clinical testing. Allele origin: germline. Affected: no.

GeneDx
Classification: Likely pathogenic. Last evaluated: 2023-01-10. Review status: criteria provided, single submitter. Criteria: GeneDx Variant Classification Process June 2021. Collection method: clinical testing. Allele origin: germline. Affected: yes.
Comment: Canonical splice site variant expected to result in aberrant splicing, although in the absence of functional evidence the actual effect of this sequence change is unknown.; Not observed at significant frequency in large population cohorts (gnomAD); Has not been previously published as pathogenic or benign to our knowledge

Literature cited by the submitters: PubMed 16199547 (cited by Labcorp Genetics (formerly Invitae), Labcorp); PubMed 23932106 (cited by Labcorp Genetics (formerly Invitae), Labcorp); PubMed 27248490 (cited by Labcorp Genetics (formerly Invitae), Labcorp); PubMed 28556953 (cited by Labcorp Genetics (formerly Invitae), Labcorp).

NM_001365999.1(SZT2):c.1091-1G>A

Gene: SZT2 (SZT2 subunit of KICSTOR complex; plus strand). Cytogenetic location: 1p34.2.
Variant type: single nucleotide variant.
Coding change: c.1091-1G>A on transcript NM_001365999.1 (MANE Select); the canonical splice acceptor site of the intron before coding-DNA position 1091, G replaced by A.
Molecular consequence: splice acceptor variant.
Genome position (GRCh38, 1-based): chr1:43,420,152, G>A. VCF-style: chr1-43420152-G-A. GRCh37 (hg19) VCF-style: chr1-43885823-G-A.
Other names: c.1091-1G>A (NM_015284.4).
Identifiers: ClinVar variation 944833 (VCV000944833.10), dbSNP rs1652173183, ClinGen allele CA340006429.
Genomic context (GRCh38, chr1:43,420,152, plus strand): 5'-TACAGATCTGTCAGTTGGCAGATAACCAGTTTCTCCTTCCCCATCTCCACTGGTCTTCCA[G>A]GCTCTCAGCACCGCCTATTTAATGAGCACCTGGTCTCTGCAAGCAGCAACCCTGCCCTGG-3'